The following is an entry in ClinVar:

ClinVar aggregate classification (germline): Uncertain significance (1 of 4 stars; one submission).

Allele frequency attached by ClinVar (database versions not stated): gnomAD exomes below 0.00001 and 0.00002; ExAC 0.00003; gnomAD 0.00007 and 0.00008; TOPMed 0.00012; ESP Exome Variant Server 0.00015.
gnomAD v4.1: 21 of 1,613,904 alleles (0.0013%); highest among the groups gnomAD compares: African/African-American, 0.017%; no homozygotes.

Submission:

Labcorp Genetics (formerly Invitae), Labcorp
Classification: Uncertain significance. Last evaluated: 2022-07-14. Review status: criteria provided, single submitter. Criteria: Invitae Variant Classification Sherloc (09022015). Collection method: clinical testing. Allele origin: germline.
Comment: This sequence change replaces arginine, which is basic and polar, with cysteine, which is neutral and slightly polar, at codon 1272 of the CEP250 protein (p.Arg1272Cys). This variant is present in population databases (rs150723097, gnomAD 0.04%). This variant has not been reported in the literature in individuals affected with CEP250-related conditions. ClinVar contains an entry for this variant (Variation ID: 1035144). Algorithms developed to predict the effect of missense changes on protein structure and function output the following: SIFT: "Not Available"; PolyPhen-2: "Benign"; Align-GVGD: "Not Available". The cysteine amino acid residue is found in multiple mammalian species, which suggests that this missense change does not adversely affect protein function. In summary, the available evidence is currently insufficient to determine the role of this variant in disease. Therefore, it has been classified as a Variant of Uncertain Significance.

NM_007186.6(CEP250):c.3814C>T (p.Arg1272Cys)

Gene: CEP250 (centrosomal protein 250; plus strand). Cytogenetic location: 20q11.22.
Variant type: single nucleotide variant.
Coding change: c.3814C>T on transcript NM_007186.6 (MANE Select); coding-DNA position 3814, C replaced by T.
Protein change: p.Arg1272Cys; replaces arginine 1272 with cysteine.
Molecular consequence: missense variant.
Genome position (GRCh38, 1-based): chr20:35,500,085, C>T. VCF-style: chr20-35500085-C-T. GRCh37 (hg19) VCF-style: chr20-34087914-C-T.
Other names: c.1918C>T, p.Arg640Cys (NM_001318219.1); short protein forms R640C, R1272C.
Identifiers: ClinVar variation 1035144 (VCV001035144.6), dbSNP rs150723097, ClinGen allele CA9833581.